The following is an entry in ClinVar:

NM_152328.5(ADSS1):c.768C>T (p.Asn256=)

Gene: ADSS1 (adenylosuccinate synthase 1; plus strand). Cytogenetic location: 14q32.33.
Variant type: single nucleotide variant.
Coding change: c.768C>T on transcript NM_152328.5 (MANE Select); coding-DNA position 768, C replaced by T.
Protein change: p.Asn256=; no amino-acid change (asparagine 256 retained).
Molecular consequence: synonymous variant.
Genome position (GRCh38, 1-based): chr14:104,741,218, C>T. VCF-style: chr14-104741218-C-T. GRCh37 (hg19) VCF-style: chr14-105207555-C-T.
Other names: c.153C>T, p.Asn51= (NM_001320424.1); c.897C>T, p.Asn299= (NM_199165.2).
Identifiers: ClinVar variation 788121 (VCV000788121.11), dbSNP rs138449071, ClinGen allele CA7373838.
Genomic context (GRCh38, chr14:104,741,218, plus strand): 5'-TTACTTTATGTATGAGGCACTCCACGGCCCCCCCAAGAAGATCCTGGTGGAGGGTGCCAA[C>T]GCCGCCCTCCTCGACATTGACTTCGGTATGTCCGGGAGGGTGTGCGTGCCAACGACCTTT-3'
Protein context (NP_689541.1, residues 246-266): PPKKILVEGA[Asn256=]AALLDIDFGT

ClinVar aggregate classification (germline): Benign. Review status: criteria provided, multiple submitters, no conflicts (2 of 4 stars). 3 submissions from 3 submitters: Benign (3). Last evaluated 2026-02-01.

Conditions:
ADSS1-related disorder. Also called: ADSS1-related condition.

Allele frequency attached by ClinVar (database versions not stated): ESP Exome Variant Server 0.00092; gnomAD 0.00126; TOPMed 0.00208; gnomAD exomes 0.00524; ExAC 0.00591; 1000 Genomes Project 30x 0.00843; 1000 Genomes Project 0.00938.
gnomAD v4.1: 4,513 of 1,605,066 alleles (0.28%); highest among the groups gnomAD compares: South Asian, 2.5%; 51 homozygotes.

Submissions (3):

Labcorp Genetics (formerly Invitae), Labcorp
Classification: Benign. Last evaluated: 2026-02-01. Review status: criteria provided, single submitter. Criteria: Invitae Variant Classification Sherloc (09022015). Collection method: clinical testing. Allele origin: germline.

PreventionGenetics, part of Exact Sciences
Classification: Benign for ADSS1-related condition. Last evaluated: 2024-12-03. Review status: criteria provided, single submitter. Criteria: ACMG Guidelines, 2015. Collection method: clinical testing. Allele origin: germline.
Comment: This variant is classified as benign based on ACMG/AMP sequence variant interpretation guidelines (Richards et al. 2015 PMID: 25741868, with internal and published modifications).

Breakthrough Genomics
Classification: Benign. Review status: criteria provided, single submitter. Criteria: ACMG Guidelines, 2015. Collection method: not provided. Allele origin: germline. Inheritance: Autosomal recessive inheritance. Affected: yes.